The following is an entry in ClinVar:

ClinVar aggregate classification (germline): Benign. Review status: criteria provided, single submitter (1 of 4 stars). 2 submissions from 1 submitter: Benign (2). Last evaluated 2018-01-13.

Conditions:
Tuberous sclerosis 1 (TSC1). Identifiers: Orphanet 805, MedGen C1854465, MONDO:0008612, OMIM 191100.
Isolated focal cortical dysplasia type II (FCORD2). Also called: CORTICAL DYSPLASIA OF TAYLOR; Focal cortical dysplasia type II. Identifiers: Orphanet 268994, MedGen C1846385, MONDO:0011818, OMIM 607341, HP:0032051.

Allele frequency attached by ClinVar (database versions not stated): gnomAD exomes 0.00089; gnomAD 0.00412 and 0.00436; TOPMed 0.00485; 1000 Genomes Project 0.00579; 1000 Genomes Project 30x 0.00671.
gnomAD v4.1: 694 of 233,386 alleles (0.3%); highest among the groups gnomAD compares: African/African-American, 1.4%; 5 homozygotes.

Submissions (2):

Illumina Laboratory Services, Illumina
Classification: Benign for Tuberous sclerosis 1. Last evaluated: 2018-01-13. Review status: criteria provided, single submitter. Criteria: ICSL Variant Classification Criteria 13 December 2019. Collection method: clinical testing. Allele origin: germline.
Comment: This variant was observed in the ICSL laboratory as part of a predisposition screen in an ostensibly healthy population. It had not been previously curated by ICSL or reported in the Human Gene Mutation Database (HGMD: prior to June 1st, 2018), and was therefore a candidate for classification through an automated scoring system. Utilizing variant allele frequency, disease prevalence and penetrance estimates, and inheritance mode, an automated score was calculated to assess if this variant is too frequent to cause the disease. Based on the score and internal cut-off values, a variant classified as benign is not then subjected to further curation. The score for this variant resulted in a classification of benign for this disease.

Illumina Laboratory Services, Illumina
Classification: Benign for Isolated focal cortical dysplasia type II. Last evaluated: 2018-01-13. Review status: criteria provided, single submitter. Criteria: ICSL Variant Classification Criteria 13 December 2019. Collection method: clinical testing. Allele origin: germline.
Comment: the same text as in the submission from Illumina Laboratory Services, Illumina above.

NM_000368.5(TSC1):c.*3952A>G

Gene: TSC1 (TSC complex subunit 1; minus strand). Cytogenetic location: 9q34.13.
Variant type: single nucleotide variant.
Coding change: c.*3952A>G on transcript NM_000368.5 (MANE Select); 3952 bases downstream of the stop codon, A replaced by G.
Molecular consequence: 3 prime UTR variant.
Genome position (GRCh38, 1-based): chr9:132,892,283, T>C on the plus strand (A>G on the coding strand, the complement: TSC1 is on the minus strand). VCF-style: chr9-132892283-T-C. GRCh37 (hg19) VCF-style: chr9-135767670-T-C.
Other names: c.*3952A>G (NM_001162426.2, NM_001162427.2, NM_001362177.2).
Identifiers: ClinVar variation 365408 (VCV000365408.5), dbSNP rs114454155, ClinGen allele CA10632655.